The following is an entry in ClinVar:

NM_001354930.2(RIPK1):c.1222G>A (p.Glu408Lys)

Gene: RIPK1 (receptor interacting serine/threonine kinase 1; plus strand). Cytogenetic location: 6p25.2.
Variant type: single nucleotide variant.
Coding change: c.1222G>A on transcript NM_001354930.2 (MANE Select); coding-DNA position 1222, G replaced by A.
Protein change: p.Glu408Lys; replaces glutamic acid 408 with lysine.
Molecular consequence: missense variant.
Genome position (GRCh38, 1-based): chr6:3,105,697, G>A. VCF-style: chr6-3105697-G-A. GRCh37 (hg19) VCF-style: chr6-3105931-G-A.
Other names: c.733G>A, p.Glu245Lys (NM_001317061.3, NM_001354932.2, NM_001354933.2 and 1 more transcripts); c.1084G>A, p.Glu362Lys (NM_001354931.2); c.1222G>A, p.Glu408Lys (NM_003804.6); short protein forms E245K, E362K, E408K.
Identifiers: ClinVar variation 4803695 (VCV004803695.1).

ClinVar aggregate classification (germline): Uncertain significance (1 of 4 stars; one submission).

gnomAD v4.1: 3 of 1,614,186 alleles (0.00019%); highest among the groups gnomAD compares: Non-Finnish European, 0.00017%; no homozygotes.

Submission:

Labcorp Genetics (formerly Invitae), Labcorp
Classification: Uncertain significance. Last evaluated: 2026-01-27. Review status: criteria provided, single submitter. Criteria: Invitae Variant Classification Sherloc (09022015). Collection method: clinical testing. Allele origin: germline.
Comment: This sequence change replaces glutamic acid, which is acidic and polar, with lysine, which is basic and polar, at codon 408 of the RIPK1 protein (p.Glu408Lys). This variant is not present in population databases (gnomAD no frequency). This variant has not been reported in the literature in individuals affected with RIPK1-related conditions. An algorithm developed to predict the effect of missense changes on protein structure and function (PolyPhen-2) suggests that this variant is likely to be disruptive. In summary, the available evidence is currently insufficient to determine the role of this variant in disease. Therefore, it has been classified as a Variant of Uncertain Significance.